The following is an entry in ClinVar:

ClinVar aggregate classification (germline): Uncertain significance (1 of 4 stars; one submission).

Allele frequency attached by ClinVar (database versions not stated): gnomAD exomes below 0.00001.

Submission:

Labcorp Genetics (formerly Invitae), Labcorp
Classification: Uncertain significance. Last evaluated: 2022-01-06. Review status: criteria provided, single submitter. Criteria: Invitae Variant Classification Sherloc (09022015). Collection method: clinical testing. Allele origin: germline.
Comment: This sequence change replaces valine, which is neutral and non-polar, with isoleucine, which is neutral and non-polar, at codon 101 of the ZNF513 protein (p.Val101Ile). This variant is not present in population databases (gnomAD no frequency). This variant has not been reported in the literature in individuals affected with ZNF513-related conditions. Algorithms developed to predict the effect of missense changes on protein structure and function are either unavailable or do not agree on the potential impact of this missense change (SIFT: "Deleterious"; PolyPhen-2: "Benign"; Align-GVGD: "Class C25"). In summary, the available evidence is currently insufficient to determine the role of this variant in disease. Therefore, it has been classified as a Variant of Uncertain Significance.

NM_144631.6(ZNF513):c.301G>A (p.Val101Ile)

Gene: ZNF513 (zinc finger protein 513; minus strand). Cytogenetic location: 2p23.3.
Variant type: single nucleotide variant.
Coding change: c.301G>A on transcript NM_144631.6 (MANE Select); coding-DNA position 301, G replaced by A.
Protein change: p.Val101Ile; replaces valine 101 with isoleucine.
Molecular consequence: missense variant.
Genome position (GRCh38, 1-based): chr2:27,378,965, C>T on the plus strand (G>A on the coding strand, the complement: ZNF513 is on the minus strand). VCF-style: chr2-27378965-C-T. GRCh37 (hg19) VCF-style: chr2-27601832-C-T.
Other names: c.115G>A, p.Val39Ile (NM_001201459.2); short protein forms V101I, V39I.
Identifiers: ClinVar variation 1417713 (VCV001417713.8), dbSNP rs1326985571, ClinGen allele CA346218651.